The following is an entry in ClinVar:

NM_015662.3(IFT172):c.379G>A (p.Val127Ile)

Gene: IFT172 (intraflagellar transport 172; minus strand). Cytogenetic location: 2p23.3.
Variant type: single nucleotide variant.
Coding change: c.379G>A on transcript NM_015662.3 (MANE Select); coding-DNA position 379, G replaced by A.
Protein change: p.Val127Ile; replaces valine 127 with isoleucine.
Molecular consequence: missense variant.
Genome position (GRCh38, 1-based): chr2:27,483,895, C>T on the plus strand (G>A on the coding strand, the complement: IFT172 is on the minus strand). VCF-style: chr2-27483895-C-T. GRCh37 (hg19) VCF-style: chr2-27706762-C-T.
Other names: short protein forms V127I.
Identifiers: ClinVar variation 1313808 (VCV001313808.3), dbSNP rs763950958, ClinGen allele CA1581003.

ClinVar aggregate classification (germline): Uncertain significance. Review status: criteria provided, multiple submitters, no conflicts (2 of 4 stars). 2 submissions from 2 submitters: Uncertain significance (2). Last evaluated 2024-05-30.

Allele frequency attached by ClinVar (database versions not stated): gnomAD exomes below 0.00001 and 0.00003; gnomAD 0.00001; TOPMed 0.00002; ExAC 0.00004.
gnomAD v4.1: 6 of 1,613,864 alleles (0.00037%); highest among the groups gnomAD compares: East Asian, 0.011%; no homozygotes.

Submissions (2):

Blueprint Genetics
Classification: Uncertain significance. Last evaluated: 2024-05-30. Review status: criteria provided, single submitter. Criteria: ACMG Guidelines, 2015. Collection method: clinical testing. Allele origin: germline.

GeneDx
Classification: Uncertain significance. Last evaluated: 2021-01-11. Review status: criteria provided, single submitter. Criteria: GeneDx Variant Classification Process June 2021. Collection method: clinical testing. Allele origin: germline. Affected: yes.
Comment: In silico analysis supports that this missense variant does not alter protein structure/function; Has not been previously published as pathogenic or benign to our knowledge